The following is an entry in ClinVar:

NM_000392.5(ABCC2):c.2637A>G (p.Glu879=)

Genes: ABCC2 (ATP binding cassette subfamily C member 2; plus strand), LOC126861012 (BRD4-independent group 4 enhancer GRCh37_chr10:101589748-101590947; plus strand). Cytogenetic location: 10q24.2.
Variant type: single nucleotide variant.
Coding change: c.2637A>G on transcript NM_000392.5 (MANE Select); coding-DNA position 2637, A replaced by G.
Protein change: p.Glu879=; no amino-acid change (glutamic acid 879 retained).
Molecular consequence: synonymous variant.
Genome position (GRCh38, 1-based): chr10:99,830,323, A>G. VCF-style: chr10-99830323-A-G. GRCh37 (hg19) VCF-style: chr10-101590080-A-G.
Identifiers: ClinVar variation 3051603 (VCV003051603.2), dbSNP rs745507343, ClinGen allele CA212857647.

ClinVar aggregate classification (germline): Likely benign (0 of 4 stars; one submission).

Conditions:
ABCC2-related disorder. Also called: ABCC2-related condition.

Allele frequency attached by ClinVar (database versions not stated): gnomAD exomes below 0.00001.
gnomAD v4.1: 1 of 1,614,142 alleles (0.000062%); highest among the groups gnomAD compares: Admixed American, 0.0017%; no homozygotes.

Submission:

PreventionGenetics, part of Exact Sciences
Classification: Likely benign for ABCC2-related condition. Last evaluated: 2023-12-20. Review status: no assertion criteria provided. Collection method: clinical testing. Allele origin: germline.
Comment: This variant is classified as likely benign based on ACMG/AMP sequence variant interpretation guidelines (Richards et al. 2015 PMID: 25741868, with internal and published modifications).